The following is an entry in ClinVar:

ClinVar aggregate classification (germline): Benign (0 of 4 stars; one submission).

Submission:

King Laboratory, University of Washington
Classification: Benign. Last evaluated: 2019-09-01. Review status: no assertion criteria provided. Collection method: research. Allele origin: germline. Affected: yes.
Comment: Transcript analysis by cBROCA

Literature cited by the submitters: PubMed 31843900.

NM_007294.4(BRCA1):c.4357+518_4357+521del

Gene: BRCA1 (BRCA1 DNA repair associated; minus strand). Cytogenetic location: 17q21.31.
Variant type: Deletion.
Coding change: c.4357+518_4357+521del on transcript NM_007294.4 (MANE Select); bases 518 to 521 of the intron after coding-DNA position 4357, 4 bases deleted (AAAG; older notation c.4357+518_4357+521delAAAG).
Molecular consequence: intron variant.
Genome position (GRCh38, 1-based): chr17:43,081,883-43,081,886, CTTT deleted on the plus strand (AAAG on the coding strand, the reverse complement: BRCA1 is on the minus strand); deleting any 4 consecutive bases within chr17:43,081,883-43,081,888 gives the same sequence; the c. name uses the placement nearest the transcript's 3' end. VCF-style (leftmost placement, unchanged base first): chr17-43081882-GCTTT-G. GRCh37 (hg19) VCF-style: chr17-41233899-GCTTT-G.
Other names: c.844+518_844+521del (NM_001408475.1); c.4153+518_4153+521del (NM_001407875.1, NM_001407874.1); c.4273+518_4273+521del (NM_001407659.1, NM_001407660.1); c.4276+518_4276+521del (NM_001407662.1, NM_001407656.1, NM_001407661.1 and 1 more transcripts); c.970+518_970+521del (NM_001408412.1, NM_001408409.1, NM_001408414.1 and 2 more transcripts); c.4279+518_4279+521del (NM_001407657.1, NM_001407654.1, NM_001407658.1 and 2 more transcripts); c.709+518_709+521del (NM_001408509.1, NM_001408508.1); c.835+518_835+521del (NM_001408491.1, NM_001408492.1, NM_001408513.1 and 3 more transcripts); and 51 more.
Identifiers: ClinVar variation 873408 (VCV000873408.3), dbSNP rs558135126, ClinGen allele CA290837258.